The following is an entry in ClinVar:

NM_018249.6(CDK5RAP2):c.1846C>T (p.Arg616Trp)

Gene: CDK5RAP2 (CDK5 regulatory subunit associated protein 2; minus strand). Cytogenetic location: 9q33.2.
Variant type: single nucleotide variant.
Coding change: c.1846C>T on transcript NM_018249.6 (MANE Select); coding-DNA position 1846, C replaced by T.
Protein change: p.Arg616Trp; replaces arginine 616 with tryptophan.
Molecular consequence: missense variant. On other transcripts: non-coding transcript variant (5).
Genome position (GRCh38, 1-based): chr9:120,471,760, G>A on the plus strand (C>T on the coding strand, the complement: CDK5RAP2 is on the minus strand). VCF-style: chr9-120471760-G-A. GRCh37 (hg19) VCF-style: chr9-123234038-G-A.
Other names: c.1846C>T, p.Arg616Trp (NM_001011649.3, NM_001272039.2, NM_001410992.1 and 2 more transcripts); short protein forms R616W.
Identifiers: ClinVar variation 2969652 (VCV002969652.1), dbSNP rs148661503, ClinGen allele CA5214265.

ClinVar aggregate classification (germline): Uncertain significance (1 of 4 stars; one submission).

Allele frequency attached by ClinVar (database versions not stated): ESP Exome Variant Server 0.00008; gnomAD 0.00011.
gnomAD v4.1: 91 of 1,614,090 alleles (0.0056%); highest among the groups gnomAD compares: African/African-American, 0.023%; no homozygotes.

Submission:

Labcorp Genetics (formerly Invitae), Labcorp
Classification: Uncertain significance. Last evaluated: 2022-11-01. Review status: criteria provided, single submitter. Criteria: Invitae Variant Classification Sherloc (09022015). Collection method: clinical testing. Allele origin: germline.
Comment: This variant has not been reported in the literature in individuals affected with CDK5RAP2-related conditions. In summary, the available evidence is currently insufficient to determine the role of this variant in disease. Therefore, it has been classified as a Variant of Uncertain Significance. Algorithms developed to predict the effect of missense changes on protein structure and function (SIFT, PolyPhen-2, Align-GVGD) all suggest that this variant is likely to be disruptive. This variant is present in population databases (rs148661503, gnomAD 0.02%). This sequence change replaces arginine, which is basic and polar, with tryptophan, which is neutral and slightly polar, at codon 616 of the CDK5RAP2 protein (p.Arg616Trp).